The following is an entry in ClinVar:

ClinVar aggregate classification (germline): Pathogenic. Review status: criteria provided, single submitter (1 of 4 stars). 2 submissions from 1 submitter: Pathogenic (2). Last evaluated 2019-09-03.

Conditions:
Colorectal cancer. Also called: Malignant Colorectal Neoplasm; Colorectal cancer, somatic. Identifiers: MedGen C0346629, MONDO:0005575, OMIM 114500.
Rubinstein-Taybi syndrome due to EP300 haploinsufficiency. Also called: EP300-Related Rubinstein-Taybi Syndrome; RUBINSTEIN-TAYBI SYNDROME 2. Identifiers: Orphanet 353284, Orphanet 783, MedGen C3150941, MONDO:0013364, OMIM 613684.

Submissions (2):

Labcorp Genetics (formerly Invitae), Labcorp
Classification: Pathogenic for Rubinstein-Taybi syndrome 2; Colorectal cancer. Last evaluated: 2019-09-03. Review status: criteria provided, single submitter. Criteria: Invitae Variant Classification Sherloc (09022015). Collection method: clinical testing. Allele origin: germline.
Comment: This variant is an out-of-frame deletion of the genomic region encompassing exons 6-9 of the EP300 gene. This is expected to create a premature translational stop signal and result in an absent or disrupted protein product. This variant has not been reported in the literature in individuals with EP300-related conditions. Loss-of-function variants in EP300 are known to be pathogenic (PMID: 15706485, 24476420). For these reasons, this variant has been classified as Pathogenic.

Labcorp Genetics (formerly Invitae), Labcorp
Classification: Pathogenic for Rubinstein-Taybi syndrome due to EP300 haploinsufficiency. Last evaluated: 2019-08-23. Review status: criteria provided, single submitter. Criteria: Invitae Variant Classification Sherloc (09022015). Collection method: clinical testing. Allele origin: germline.
Comment: For these reasons, this variant has been classified as Pathogenic. Loss-of-function variants in EP300 are known to be pathogenic (PMID: 15706485, 24476420). This variant has not been reported in the literature in individuals with EP300-related conditions. This variant is an out-of-frame deletion of the genomic region encompassing exons 6-9 of the EP300 gene. This is expected to create a premature translational stop signal and result in an absent or disrupted protein product.

Literature cited by the submitters: PubMed 15706485; PubMed 24476420.

NC_000022.11:g.(?_41131368)_(41140277_?)del

Gene: EP300 (EP300 lysine acetyltransferase; plus strand). Cytogenetic location: 22q13.2.
Variant type: Deletion.
Identifiers: ClinVar variation 832045 (VCV000832045.46).